The following is an entry in ClinVar:

NM_012250.6(RRAS2):c.13G>A (p.Gly5Ser)

Genes: RRAS2 (RAS related 2; minus strand), LOC130005368 (ATAC-STARR-seq lymphoblastoid silent region 3172; plus strand). Cytogenetic location: 11p15.2.
Variant type: single nucleotide variant.
Coding change: c.13G>A on transcript NM_012250.6 (MANE Select); coding-DNA position 13, G replaced by A.
Protein change: p.Gly5Ser; replaces glycine 5 with serine.
Molecular consequence: missense variant. On other transcripts: intron variant (1).
Genome position (GRCh38, 1-based): chr11:14,358,858, C>T on the plus strand (G>A on the coding strand, the complement: RRAS2 is on the minus strand). VCF-style: chr11-14358858-C-T. GRCh37 (hg19) VCF-style: chr11-14380404-C-T.
Other names: c.3+5533G>A (NM_001177314.2); short protein forms G5S.
Identifiers: ClinVar variation 3781222 (VCV003781222.1).

ClinVar aggregate classification (germline): Uncertain significance (1 of 4 stars; one submission).

gnomAD v4.1: 1 of 1,469,950 alleles (0.000068%); highest among the groups gnomAD compares: Non-Finnish European, 0.000091%; no homozygotes.

Submission:

GeneDx
Classification: Uncertain significance. Last evaluated: 2024-10-15. Review status: criteria provided, single submitter. Criteria: GeneDx Variant Classification Process June 2021. Collection method: clinical testing. Allele origin: germline. Affected: yes.
Comment: Not observed at significant frequency in large population cohorts (gnomAD); In silico analysis indicates that this missense variant does not alter protein structure/function; Has not been previously published as pathogenic or benign to our knowledge